The following is an entry in ClinVar:

NM_006348.5(COG5):c.927T>C (p.His309=)

Gene: COG5 (component of oligomeric golgi complex 5; minus strand). Cytogenetic location: 7q22.3.
Variant type: single nucleotide variant.
Coding change: c.927T>C on transcript NM_006348.5 (MANE Select); coding-DNA position 927, T replaced by C.
Protein change: p.His309=; no amino-acid change (histidine 309 retained).
Molecular consequence: synonymous variant. On other transcripts: intron variant (2).
Genome position (GRCh38, 1-based): chr7:107,362,329, A>G on the plus strand (T>C on the coding strand, the complement: COG5 is on the minus strand). VCF-style: chr7-107362329-A-G. GRCh37 (hg19) VCF-style: chr7-107002774-A-G.
Other names: c.927T>C, p.His309= (NM_001161520.2, NM_001379511.1, NM_001379512.1 and 3 more transcripts); c.235-219T>C (NM_001379516.1); c.539-63983T>C (NM_001379515.1).
Identifiers: ClinVar variation 386287 (VCV000386287.36), dbSNP rs140684568, ClinGen allele CA4431068.

ClinVar aggregate classification (germline): Likely benign. Review status: criteria provided, multiple submitters, no conflicts (2 of 4 stars). 5 submissions from 5 submitters: Likely benign (4). 1 of the submissions does not count toward it. Last evaluated 2026-01-15.

Conditions:
COG5-related disorder. Also called: COG5-related condition.
COG5-congenital disorder of glycosylation. Also called: COG5-CDG; CONGENITAL DISORDER OF GLYCOSYLATION, TYPE IIi; CDG IIi. Identifiers: Orphanet 263487, MedGen C3150876, MONDO:0013325, OMIM 613612.

Allele frequency attached by ClinVar (database versions not stated): gnomAD exomes 0.00007 and 0.00018; ExAC 0.00021; 1000 Genomes Project 30x 0.00031; 1000 Genomes Project 0.00040; ESP Exome Variant Server 0.00046; TOPMed 0.00071; gnomAD 0.00076 and 0.00083.
gnomAD v4.1: 226 of 1,610,052 alleles (0.014%); highest among the groups gnomAD compares: African/African-American, 0.26%; 1 homozygote.

Submissions (5):

Labcorp Genetics (formerly Invitae), Labcorp
Classification: Likely benign for COG5-congenital disorder of glycosylation. Last evaluated: 2026-01-15. Review status: criteria provided, single submitter. Criteria: Invitae Variant Classification Sherloc (09022015). Collection method: clinical testing. Allele origin: germline.

CeGaT Center for Human Genetics Tuebingen
Classification: Likely benign. Last evaluated: 2024-02-01. Review status: criteria provided, single submitter. Criteria: CeGaT Center For Human Genetics Tuebingen Variant Classification Criteria Version 2. Collection method: clinical testing. Allele origin: germline. Affected: yes. Observed: 1 variant allele.
Comment: COG5: BP4, BP7

Blueprint Genetics
Classification: Likely benign. Last evaluated: 2022-11-14. Review status: criteria provided, single submitter. Criteria: ACMG Guidelines, 2015. Collection method: clinical testing. Allele origin: germline.

GeneDx
Classification: Likely benign. Last evaluated: 2016-05-31. Review status: criteria provided, single submitter. Criteria: GeneDx Variant Classification (06012015). Collection method: clinical testing. Allele origin: germline. Affected: yes.
Comment: This variant is considered likely benign or benign based on one or more of the following criteria: it is a conservative change, it occurs at a poorly conserved position in the protein, it is predicted to be benign by multiple in silico algorithms, and/or has population frequency not consistent with disease.

PreventionGenetics, part of Exact Sciences
Classification: Likely benign for COG5-related condition. Last evaluated: 2023-11-27. Review status: no assertion criteria provided. Collection method: clinical testing. Allele origin: germline. Not counted in ClinVar's aggregate classification.
Comment: This variant is classified as likely benign based on ACMG/AMP sequence variant interpretation guidelines (Richards et al. 2015 PMID: 25741868, with internal and published modifications).